The following is an entry in ClinVar:

ClinVar aggregate classification (germline): Uncertain significance (1 of 4 stars; one submission).

gnomAD v4.1: 1 of 1,614,192 alleles (0.000062%); highest among the groups gnomAD compares: Non-Finnish European, 0.000085%; no homozygotes.

Submission:

Labcorp Genetics (formerly Invitae), Labcorp
Classification: Uncertain significance. Last evaluated: 2024-02-07. Review status: criteria provided, single submitter. Criteria: Invitae Variant Classification Sherloc (09022015). Collection method: clinical testing. Allele origin: germline.
Comment: This sequence change replaces tyrosine, which is neutral and polar, with cysteine, which is neutral and slightly polar, at codon 704 of the JAK1 protein (p.Tyr704Cys). This variant is not present in population databases (gnomAD no frequency). This variant has not been reported in the literature in individuals affected with JAK1-related conditions. Advanced modeling of protein sequence and biophysical properties (such as structural, functional, and spatial information, amino acid conservation, physicochemical variation, residue mobility, and thermodynamic stability) performed at Invitae indicates that this missense variant is expected to disrupt JAK1 protein function with a positive predictive value of 80%. In summary, the available evidence is currently insufficient to determine the role of this variant in disease. Therefore, it has been classified as a Variant of Uncertain Significance.

NM_002227.4(JAK1):c.2111A>G (p.Tyr704Cys)

Gene: JAK1 (Janus kinase 1; minus strand). Cytogenetic location: 1p31.3.
Variant type: single nucleotide variant.
Coding change: c.2111A>G on transcript NM_002227.4 (MANE Select); coding-DNA position 2111, A replaced by G.
Protein change: p.Tyr704Cys; replaces tyrosine 704 with cysteine.
Molecular consequence: missense variant.
Genome position (GRCh38, 1-based): chr1:64,845,517, T>C on the plus strand (A>G on the coding strand, the complement: JAK1 is on the minus strand). VCF-style: chr1-64845517-T-C. GRCh37 (hg19) VCF-style: chr1-65311200-T-C.
Other names: c.2111A>G, p.Tyr704Cys (NM_001320923.2, NM_001321852.2, NM_001321853.2 and 3 more transcripts); c.2108A>G, p.Tyr703Cys (NM_001321857.2); short protein forms Y704C, Y703C.
Identifiers: ClinVar variation 3706726 (VCV003706726.2).